The following is an entry in ClinVar:

NM_003640.5(ELP1):c.3069_3070del (p.Thr1024fs)

Gene: ELP1 (elongator acetyltransferase complex subunit 1; minus strand). Cytogenetic location: 9q31.3.
Variant type: Deletion.
Coding change: c.3069_3070del on transcript NM_003640.5 (MANE Select); coding-DNA positions 3069 to 3070, 2 bases deleted (GA; older notation c.3069_3070delGA).
Protein change: p.Thr1024fs; shifts the reading frame from threonine 1024.
Molecular consequence: frameshift variant.
Genome position (GRCh38, 1-based): chr9:108,891,293-108,891,294, TC deleted on the plus strand (GA on the coding strand, the reverse complement: ELP1 is on the minus strand). VCF-style (leftmost placement, unchanged base first): chr9-108891292-GTC-G. GRCh37 (hg19) VCF-style: chr9-111653572-GTC-G.
Other names: c.2727_2728del, p.Thr910fs (NM_001318360.2); c.2022_2023del, p.Thr675fs (NM_001330749.2); short protein forms T1024fs, T675fs, T910fs.
Identifiers: ClinVar variation 1725191 (VCV001725191.2), dbSNP rs2537878571, ClinGen allele CA2580079353.

ClinVar aggregate classification (germline): Likely pathogenic (1 of 4 stars; one submission).

Conditions:
Familial dysautonomia. Also called: HSAN III; FD. Identifiers: Orphanet 1764, MedGen C0013364, MONDO:0009131, OMIM 223900. Disease mechanism: loss of function.

Submission:

Myriad Genetics, Inc.
Classification: Likely pathogenic for Familial dysautonomia. Last evaluated: 2022-03-14. Review status: criteria provided, single submitter. Criteria: Myriad Women's Health Autosomal Recessive and X-Linked Classification Criteria (2021). Collection method: clinical testing. Allele origin: unknown.
Comment: NM_003640.3(ELP1):c.3069_3070delGA(T1024Mfs*15) is expected to be pathogenic in the context of familial dysautonomia. This variant is predicted to lead to an abnormal or absent protein product due to the creation of a premature termination codon in ELP1, a gene where loss-of-function variants are known to be pathogenic. Please note: this variant was assessed in the context of healthy population screening.